The following is an entry in ClinVar:

ClinVar aggregate classification (germline): Benign. Review status: criteria provided, multiple submitters, no conflicts (2 of 4 stars). 2 submissions from 2 submitters: Benign (2). Last evaluated 2018-01-12.

Conditions:
Oculotrichoanal syndrome (MOTA). Also called: MARLES SYNDROME; Manitoba Oculotrichoanal (MOTA) Syndrome. Identifiers: Orphanet 2717, MedGen C1855425, MONDO:0009560, OMIM 248450.

Allele frequency attached by ClinVar (database versions not stated): gnomAD 0.14364 and 0.14565; gnomAD exomes 0.20000; 1000 Genomes Project 30x 0.12992; TOPMed 0.14144; 1000 Genomes Project 0.13359.

Submissions (2):

Illumina Laboratory Services, Illumina
Classification: Benign for Oculotrichoanal syndrome. Last evaluated: 2018-01-12. Review status: criteria provided, single submitter. Criteria: ICSL Variant Classification Criteria 13 December 2019. Collection method: clinical testing. Allele origin: germline.
Comment: This variant was observed in the ICSL laboratory as part of a predisposition screen in an ostensibly healthy population. It had not been previously curated by ICSL or reported in the Human Gene Mutation Database (HGMD: prior to June 1st, 2018), and was therefore a candidate for classification through an automated scoring system. Utilizing variant allele frequency, disease prevalence and penetrance estimates, and inheritance mode, an automated score was calculated to assess if this variant is too frequent to cause the disease. Based on the score and internal cut-off values, a variant classified as benign is not then subjected to further curation. The score for this variant resulted in a classification of benign for this disease.

Breakthrough Genomics
Classification: Benign. Review status: criteria provided, single submitter. Criteria: ACMG Guidelines, 2015. Collection method: not provided. Allele origin: germline. Inheritance: Autosomal recessive inheritance. Affected: yes.

NM_144966.5(FREM1):c.*1784A>G

Gene: FREM1 (FRAS1 related extracellular matrix 1; minus strand). Cytogenetic location: 9p22.3.
Variant type: single nucleotide variant.
Coding change: c.*1784A>G on transcript NM_144966.5; 1784 bases downstream of the stop codon, A replaced by G.
Genome position (GRCh38, 1-based): chr9:14,735,612, T>C on the plus strand (A>G on the coding strand, the complement: FREM1 is on the minus strand). VCF-style: chr9-14735612-T-C. GRCh37 (hg19) VCF-style: chr9-14735610-T-C.
Identifiers: ClinVar variation 366069 (VCV000366069.8), dbSNP rs10756607, ClinGen allele CA10633401.
Genomic context (GRCh38, chr9:14,735,612, plus strand): 5'-CAAGGTTCTACACAGTTGACATAGTTCTAGATTTCCAGTTTTAGATGGTTTATATAGTTT[T>C]AGAGTTCCAGTGGAAGGAGTGGCCCTTGAATCCCTCATTTCCCAAACTTCTACTTCCTTC-3'